The following is an entry in ClinVar:

NC_000004.11:g.(?_123900367)_(124011880_?)del

Gene: AFG2A (AFG2 AAA ATPase homolog A; plus strand). Cytogenetic location: 4q28.1.
Variant type: Deletion.
Identifiers: ClinVar variation 1460171 (VCV001460171.8).

ClinVar aggregate classification (germline): Pathogenic (1 of 4 stars; one submission).

Conditions:
Microcephaly-intellectual disability-sensorineural hearing loss-epilepsy-abnormal muscle tone syndrome (NEDHSB). Also called: NEURODEVELOPMENTAL DISORDER WITH HEARING LOSS, SEIZURES, AND BRAIN ABNORMALITIES. Identifiers: Orphanet 457351, MedGen C4225276, MONDO:0014698, OMIM 616577.

Submission:

Labcorp Genetics (formerly Invitae), Labcorp
Classification: Pathogenic for Microcephaly-intellectual disability-sensorineural hearing loss-epilepsy-abnormal muscle tone syndrome. Last evaluated: 2022-10-13. Review status: criteria provided, single submitter. Criteria: Invitae Variant Classification Sherloc (09022015). Collection method: clinical testing. Allele origin: germline.
Comment: This variant is a gross deletion of the genomic region encompassing exon(s) 10-14 of the SPATA5 gene. This deletion is out-of-frame, and is expected to create a premature termination codon and result in an absent or disrupted protein product. Loss-of-function variants in SPATA5 are known to be pathogenic (PMID: 26299366). This variant has not been reported in the literature in individuals affected with SPATA5-related conditions. For these reasons, this variant has been classified as Pathogenic.

Literature cited by the submitters: PubMed 26299366.